The following is an entry in ClinVar:

ClinVar aggregate classification (germline): Likely benign. Review status: criteria provided, multiple submitters, no conflicts (2 of 4 stars). 3 submissions from 3 submitters: Likely benign (3). Last evaluated 2024-09-20.

Allele frequency attached by ClinVar (database versions not stated): gnomAD 0.00001 and 0.00036; TOPMed 0.00009; gnomAD exomes 0.00042 and 0.00097; ExAC 0.00101; 1000 Genomes Project 0.00339; 1000 Genomes Project 30x 0.00344.

Submissions (3):

Blueprint Genetics
Classification: Likely benign. Last evaluated: 2024-09-20. Review status: criteria provided, single submitter. Criteria: ACMG Guidelines, 2015. Collection method: clinical testing. Allele origin: germline.

CeGaT Center for Human Genetics Tuebingen
Classification: Likely benign. Last evaluated: 2024-01-01. Review status: criteria provided, single submitter. Criteria: CeGaT Center For Human Genetics Tuebingen Variant Classification Criteria Version 2. Collection method: clinical testing. Allele origin: germline. Affected: yes. Observed: 1 variant allele.
Comment: HSPA1L: BP4, BS2

Labcorp Genetics (formerly Invitae), Labcorp
Classification: Likely benign. Last evaluated: 2018-06-01. Review status: criteria provided, single submitter. Criteria: Invitae Variant Classification Sherloc (09022015). Collection method: clinical testing. Allele origin: germline.

NM_005527.4(HSPA1L):c.584G>A (p.Arg195Gln)

Gene: HSPA1L (heat shock protein family A (Hsp70) member 1 like; minus strand). Cytogenetic location: 6p21.33.
Variant type: single nucleotide variant.
Coding change: c.584G>A on transcript NM_005527.4 (MANE Select); coding-DNA position 584, G replaced by A.
Protein change: p.Arg195Gln; replaces arginine 195 with glutamine.
Molecular consequence: missense variant.
Genome position (GRCh38, 1-based): chr6:31,811,389, C>T on the plus strand (G>A on the coding strand, the complement: HSPA1L is on the minus strand). VCF-style: chr6-31811389-C-T. GRCh37 (hg19) VCF-style: chr6-31779166-C-T.
Other names: short protein forms R195Q.
Identifiers: ClinVar variation 788099 (VCV000788099.26), dbSNP rs201198988, ClinGen allele CA3724049.